The following is an entry in ClinVar:

ClinVar aggregate classification (germline): Pathogenic. Review status: criteria provided, multiple submitters, no conflicts (2 of 4 stars). 2 submissions from 2 submitters: Pathogenic (2). Last evaluated 2025-11-26.

Conditions:
Alstrom syndrome (ALMS). Identifiers: Orphanet 64, MedGen C0268425, MONDO:0008763, OMIM 203800.

Allele frequency attached by ClinVar (database versions not stated): gnomAD 0.00001; TOPMed 0.00001.
gnomAD v4.1: 6 of 1,613,556 alleles (0.00037%); highest among the groups gnomAD compares: East Asian, 0.0022%; no homozygotes.

Submissions (2):

Natera, Inc.
Classification: Pathogenic for Alstrom syndrome. Last evaluated: 2025-11-26. Review status: criteria provided, single submitter. Criteria: Natera Variant Classification Schema (03/2026). Collection method: clinical testing. Allele origin: germline.
Comment: The c.6829C>T variant in ALMS1 is a nonsense variant predicted to introduce a stop codon at amino acid 2277. This variant is expected to result in nonsense mediated decay, truncation, or a dysfunctional protein product. This variant is rare in the general population with a frequency below the threshold expected for the associated phenotype(s). This variant has been observed to segregate in affected family members (PMID: 26066530). Given the available evidence, this variant is classified as Pathogenic.

Labcorp Genetics (formerly Invitae), Labcorp
Classification: Pathogenic for Alstrom syndrome. Last evaluated: 2024-03-13. Review status: criteria provided, single submitter. Criteria: Invitae Variant Classification Sherloc (09022015). Collection method: clinical testing. Allele origin: germline.
Comment: This sequence change creates a premature translational stop signal (p.Arg2277*) in the ALMS1 gene. It is expected to result in an absent or disrupted protein product. Loss-of-function variants in ALMS1 are known to be pathogenic (PMID: 17594715). This variant is present in population databases (no rsID available, gnomAD 0.007%). This premature translational stop signal has been observed in individual(s) with clinical features of Alstrom syndrome (PMID: 28432734). ClinVar contains an entry for this variant (Variation ID: 1363896). For these reasons, this variant has been classified as Pathogenic.

Literature cited by the submitters: PubMed 26066530 (cited by Natera, Inc.); PubMed 17594715 (cited by Labcorp Genetics (formerly Invitae), Labcorp); PubMed 28432734 (cited by Labcorp Genetics (formerly Invitae), Labcorp).

NM_001378454.1(ALMS1):c.6826C>T (p.Arg2276Ter)

Gene: ALMS1 (ALMS1 centrosome and basal body associated protein; plus strand). Cytogenetic location: 2p13.1.
Variant type: single nucleotide variant.
Coding change: c.6826C>T on transcript NM_001378454.1 (MANE Select); coding-DNA position 6826, C replaced by T.
Protein change: p.Arg2276Ter; replaces arginine 2276 with a stop codon.
Molecular consequence: nonsense.
Genome position (GRCh38, 1-based): chr2:73,453,353, C>T. VCF-style: chr2-73453353-C-T. GRCh37 (hg19) VCF-style: chr2-73680480-C-T.
Other names: c.6829C>T, p.Arg2277Ter (NM_015120.4); short protein forms R2277*, R2276*.
Identifiers: ClinVar variation 1363896 (VCV001363896.9), dbSNP rs1238145717, ClinGen allele CA347289561.